The following is an entry in ClinVar:

NM_002225.5(IVD):c.841G>A (p.Asp281Asn)

Gene: IVD (isovaleryl-CoA dehydrogenase; plus strand). Cytogenetic location: 15q15.1.
Variant type: single nucleotide variant.
Coding change: c.841G>A on transcript NM_002225.5 (MANE Select); coding-DNA position 841, G replaced by A.
Protein change: p.Asp281Asn; replaces aspartic acid 281 with asparagine.
Molecular consequence: missense variant. On other transcripts: non-coding transcript variant (1).
Genome position (GRCh38, 1-based): chr15:40,414,945, G>A. VCF-style: chr15-40414945-G-A. GRCh37 (hg19) VCF-style: chr15-40707144-G-A.
Other names: c.751G>A, p.Asp251Asn (NM_001159508.3); c.793G>A, p.Asp265Asn (NM_001354597.3); c.841G>A, p.Asp281Asn (NM_001354598.3, NM_001354601.3); c.928G>A, p.Asp310Asn (NM_001354599.3, NM_001354600.3); short protein forms D251N, D281N, D310N, D265N.
Identifiers: ClinVar variation 2737710 (VCV002737710.3), dbSNP rs369148941, ClinGen allele CA268780743.
Genomic context (GRCh38, chr15:40,414,945, plus strand): 5'-GCAGCTGCCAACATCCTGGGCCATGAGAATAAGGGTGTCTACGTGCTGATGAGTGGGCTG[G>A]ACCTGGAGCGGCTGGTGCTGGCCGGGGGGCCTCTTGGGTAAGTGTGAGAGGCTTGAGGGA-3'
Protein context (NP_002216.3, residues 271-291): KGVYVLMSGL[Asp281Asn]LERLVLAGGP

ClinVar aggregate classification (germline): Uncertain significance (1 of 4 stars; one submission).

Conditions:
Isovaleryl-CoA dehydrogenase deficiency (IVA). Also called: ISOVALERIC ACID CoA DEHYDROGENASE DEFICIENCY; Isovaleric acidemia; IVD DEFICIENCY; Classic Isovaleric Acidemia. Identifiers: Orphanet 33, MedGen C0268575, MONDO:0009475, OMIM 243500.

Allele frequency attached by ClinVar (database versions not stated): gnomAD exomes below 0.00001; gnomAD 0.00003; TOPMed 0.00005; ESP Exome Variant Server 0.00008.
gnomAD v4.1: 12 of 1,614,052 alleles (0.00074%); highest among the groups gnomAD compares: African/African-American, 0.016%; no homozygotes.

Submission:

Labcorp Genetics (formerly Invitae), Labcorp
Classification: Uncertain significance for Isovaleryl-CoA dehydrogenase deficiency. Last evaluated: 2023-12-28. Review status: criteria provided, single submitter. Criteria: Invitae Variant Classification Sherloc (09022015). Collection method: clinical testing. Allele origin: germline.
Comment: This sequence change replaces aspartic acid, which is acidic and polar, with asparagine, which is neutral and polar, at codon 284 of the IVD protein (p.Asp284Asn). This variant is present in population databases (rs369148941, gnomAD 0.01%). This missense change has been observed in individual(s) with clinical features of isovaleric acidemia (Invitae). In at least one individual the data is consistent with being in trans (on the opposite chromosome) from a pathogenic variant. An algorithm developed to predict the effect of missense changes on protein structure and function (PolyPhen-2) suggests that this variant is likely to be tolerated. In summary, the available evidence is currently insufficient to determine the role of this variant in disease. Therefore, it has been classified as a Variant of Uncertain Significance.